The following is an entry in ClinVar:

NM_000441.2(SLC26A4):c.200C>G (p.Thr67Ser)

Gene: SLC26A4 (solute carrier family 26 member 4; plus strand). Cytogenetic location: 7q22.3.
Variant type: single nucleotide variant.
Coding change: c.200C>G on transcript NM_000441.2 (MANE Select); coding-DNA position 200, C replaced by G.
Protein change: p.Thr67Ser; replaces threonine 67 with serine.
Molecular consequence: missense variant.
Genome position (GRCh38, 1-based): chr7:107,663,331, C>G. VCF-style: chr7-107663331-C-G. GRCh37 (hg19) VCF-style: chr7-107303776-C-G.
Other names: short protein forms T67S.
Identifiers: ClinVar variation 43531 (VCV000043531.24), dbSNP rs111033240, ClinGen allele CA132691.

ClinVar aggregate classification (germline): Likely benign. Review status: reviewed by expert panel (3 of 4 stars). 9 submissions from 9 submitters: Likely benign (1). 8 of the submissions do not count toward it. Last evaluated 2024-03-20.

Conditions:
SLC26A4-related disorder. Also called: SLC26A4-related condition; SLC26A4-related disorders.
Pendred syndrome (PDS). Also called: DEAFNESS WITH GOITER; GOITER-DEAFNESS SYNDROME; HYPOTHYROIDISM, CONGENITAL, DUE TO DYSHORMONOGENESIS, 2B; Pendred's syndrome; Pendred Syndrome (PDS); THYROID DYSHORMONOGENESIS 2B. Identifiers: Orphanet 705, MedGen C0271829, MONDO:0010134, OMIM 274600.

Allele frequency attached by ClinVar (database versions not stated): ExAC 0.00001; TOPMed 0.00001; gnomAD exomes 0.00002.
gnomAD v4.1: 15 of 1,614,176 alleles (0.00093%); highest among the groups gnomAD compares: East Asian, 0.0089%; no homozygotes.

Submissions (9):

ClinGen Hearing Loss Variant Curation Expert Panel
Classification: Likely benign for Pendred syndrome. Last evaluated: 2024-03-20. Review status: reviewed by expert panel. Criteria: Clingen Hl Acmg Specifications Cdh23 Coch Gjb2 Kcnq4 Myo6 Myo7a Slc26a4 Tecta Ush2a V2. Collection method: curation. Allele origin: germline. Inheritance: Autosomal recessive inheritance.
Comment: The c.200C>G (p.Thr67Ser) variant in SLC26A4 is a missense variant predicted to cause substitution of threonine by serine at amino acid 67. The highest population minor allele frequency in gnomAD v4.0.0 is 4/39700 alleles (0.0001008 or 0.01 %) in the East Asian population (PM2_supporting, BS1, and BA1 not met). The results from two predictors/lines of evidence, MaxEntScan and conservation analysis, with serine present at this residue in ten vertebrates, suggest that the variant does not impact SLC26A4 function (BP4). This variant has been observed in cis with the variant p.Leu236Val (c.706C>G) [PMIDs: 30113565, 30268946, Laboratory for Molecular Medicine internal data, ClinVar SCV000060121.6], which is classified as likely pathogenic by the ClinGen Hearing Loss VCEP, in at least six affected individuals (BP2). The variant has been seen in the homozygous and compound heterozygous (in trans, phase confirmed) state in at least three other individuals affected with hearing loss (PMIDs: 18250610, 22796198, 26969326). However, PM3 was not applied due to the fact that these individuals may also have carried the p.Leu236Val variant that was causative of the disorder. In summary, this variant meets the criteria to be classified as likely benign for autosomal recessive Pendred Syndrome, based on the ACMG/AMP criteria applied, as specified by the ClinGen Hearing Loss VCEP (BP4, BP2; Version 2; 3/20/24).

Women's Health and Genetics/Laboratory Corporation of America, LabCorp
Classification: Likely pathogenic for Pendred syndrome. Last evaluated: 2026-06-23. Review status: criteria provided, single submitter. Criteria: LabCorp Variant Classification Summary - May 2015. Collection method: clinical testing. Allele origin: germline. Not counted in ClinVar's aggregate classification.
Comment: Variant summary: SLC26A4 c.200C>G (p.Thr67Ser) results in a conservative amino acid change in the encoded protein sequence. Algorithms developed to predict the effect of missense changes on protein structure and function all suggest that this variant is likely to be tolerated. The variant allele was found at a frequency of 2e-05 in 251496 control chromosomes. c.200C>G has been observed in the presumed or confirmed compound heterozygous state in multiple individuals affected with Pendred Syndrome (e.g. Snabboon_2007, Hu_2012, Sloan-Heggen_2016), including at least 1 family where it segregated with disease. Co-occurrences with another pathogenic variant in cis have been reported in multiple doubly homozygous unrelated cases (SLC26A4 c.706C>G, p.Leu236Val)(e.g. Chiong_2018, Lin_2019), however the impact of each individual variant could not be determined. Importantly, genotyping methods in Snabboon_2007, Hu_2012, Sloan-Heggen_2016 were sufficient to rule out cis co-occurrence of p.Leu236Val. To our knowledge, no experimental evidence demonstrating an impact on protein function has been reported. The following publications have been ascertained in the context of this evaluation (PMID: 18250610, 26969326, 22796198, 30113565, 30268946). ClinVar contains an entry for this variant (Variation ID: 43531). Based on the evidence outlined above, the variant was classified as likely pathogenic.

Natera, Inc.
Classification: Likely pathogenic for Pendred syndrome. Last evaluated: 2025-11-13. Review status: criteria provided, single submitter. Criteria: Natera Variant Classification Schema (03/2026). Collection method: clinical testing. Allele origin: germline. Not counted in ClinVar's aggregate classification.
Comment: The c.200C>G variant in SLC26A4 is a missense variant predicted to cause substitution of threonine to serine at amino acid 67. This variant is rare in the general population with a frequency below the threshold expected for the associated phenotype(s). This variant has been observed in one or more individuals affected with the associated recessive disease, as either homozygous or compound heterozygous with a second variant (PMID: 18250610, 21704276, 22796198, 26969326). Additionally, this variant has been observed to segregate in affected family members (PMID: 18250610). Multiple computational prediction algorithms suggest this variant is unlikely to affect gene or protein function. Given the available evidence, this variant is classified as Likely Pathogenic.

Labcorp Genetics (formerly Invitae), Labcorp
Classification: Pathogenic. Last evaluated: 2025-10-01. Review status: criteria provided, single submitter. Criteria: Invitae Variant Classification Sherloc (09022015). Collection method: clinical testing. Allele origin: germline. Not counted in ClinVar's aggregate classification.
Comment: This sequence change replaces threonine, which is neutral and polar, with serine, which is neutral and polar, at codon 67 of the SLC26A4 protein (p.Thr67Ser). This variant is present in population databases (rs111033240, gnomAD 0.01%). This missense change has been observed in individual(s) with Pendred syndrome (PMID: 18250610, 22796198, 26969326). In at least one individual the data is consistent with being in trans (on the opposite chromosome) from a pathogenic variant. It has also been observed to segregate with disease in related individuals. ClinVar contains an entry for this variant (Variation ID: 43531). Invitae Evidence Modeling of protein sequence and biophysical properties (such as structural, functional, and spatial information, amino acid conservation, physicochemical variation, residue mobility, and thermodynamic stability) indicates that this missense variant is not expected to disrupt SLC26A4 protein function with a negative predictive value of 95%. For these reasons, this variant has been classified as Pathogenic.

Dubai Health Genomic Medicine Center, Dubai Health
Classification: Likely benign. Last evaluated: 2020-11-03. Review status: criteria provided, single submitter. Criteria: ACMG Guidelines, 2015. Collection method: clinical testing. Allele origin: germline. Affected: yes. Not counted in ClinVar's aggregate classification.
Comment: See HL Expert Classification: The c.200C>G (p.Thr67Ser) variant in SLC26A4 was present in 0.011% (2/18394) of East Asian alleles in gnomAD v2. Although this frequency is low enough to meet PM2_Supporting the ClinGen Hearing Loss Expert Panel believes that the evidence that this variant is likely benign outweighs the low allele frequency in population databases. This variant has been observed in cis with p.Leu236Val which the Hearing Loss Expert Panel has classified as likely pathogenic in at least 6 probands (BP2 PMID: 30113565 30268946 Laboratory for Molecular Medicine internal data ClinVar SCV000060121.6). It has been identified in at least 3 other probands with hearing loss with another pathogenic variant in SLC26A4 or in the homozygous state and segregated with disease in 1 additional family member (PMID: 18250610 26969326 22796198). Two probands with this variant displayed both sensorineural hearing loss and EVA features highly specific for SLC26A4. Conservation analyses suggest that this variant may not impact the protein (BP4). Due to the possibility that the p.Thr67Ser and p.Leu236Val variants constitute a haplotype and the latter variant is driving pathogenicity PM3 PP1 and PP4 were not applied. In summary the p.Thr67Ser variant in SLC26A4 variant meets criteria to be considered likely benign. ACMG/AMP criteria applied as specified by the Hearing Loss Expert Panel: BP2 BP4.

GeneDx
Classification: Likely benign. Last evaluated: 2019-11-25. Review status: criteria provided, single submitter. Criteria: GeneDx Variant Classification Process June 2021. Collection method: clinical testing. Allele origin: germline. Affected: yes. Not counted in ClinVar's aggregate classification.
Comment: This variant is associated with the following publications: (PMID: 18250610, 24599119, 19040761, 19744334, 22796198, 17851929, 26969326, 30245029)

Laboratory for Molecular Medicine, Mass General Brigham Personalized Medicine
Classification: Likely benign. Last evaluated: 2015-11-08. Review status: criteria provided, single submitter. Criteria: LMM Criteria. Collection method: clinical testing. Allele origin: germline. Observed: 4 variant alleles. Not counted in ClinVar's aggregate classification.
Comment: Both variants are extremely rare (ExAC: p.Thr67Ser 1/11578 Latino and p.Leu2 36Val 4/11578 Latino ). This variant has been classified as likely benign given that it occurs at a poorly conserved residue with several mammals having a serin e at this position.

PreventionGenetics, part of Exact Sciences
Classification: Likely benign for SLC26A4-related condition. Last evaluated: 2021-04-16. Review status: no assertion criteria provided. Collection method: clinical testing. Allele origin: germline. Not counted in ClinVar's aggregate classification.
Comment: This variant is classified as likely benign based on ACMG/AMP sequence variant interpretation guidelines (Richards et al. 2015 PMID: 25741868, with internal and published modifications).

Counsyl
Classification: Uncertain significance for Pendred syndrome. Last evaluated: 2017-12-28. Review status: no assertion criteria provided. Collection method: clinical testing. Allele origin: unknown. Not counted in ClinVar's aggregate classification.

Literature cited by the submitters: PubMed 26969326 (cited by 4 submitters); PubMed 30268946 (cited by Women's Health and Genetics/Laboratory Corporation of America, LabCorp); PubMed 22796198 (cited by 4 submitters); PubMed 30113565 (cited by Women's Health and Genetics/Laboratory Corporation of America, LabCorp); PubMed 18250610 (cited by 4 submitters); PubMed 21704276 (cited by Natera, Inc. and Counsyl); PubMed 19040761 (cited by Counsyl).